The following is an entry in ClinVar:

NM_000179.3(MSH6):c.2038_2042del (p.Ala680fs)

Gene: MSH6 (mutS homolog 6; plus strand). Cytogenetic location: 2p16.3.
Variant type: Deletion.
Coding change: c.2038_2042del on transcript NM_000179.3 (MANE Select); coding-DNA positions 2038 to 2042, 5 bases deleted (GCCCT; older notation c.2038_2042delGCCCT).
Protein change: p.Ala680fs; shifts the reading frame from alanine 680.
Molecular consequence: frameshift variant. On other transcripts: non-coding transcript variant (5), intron variant (2).
Genome position (GRCh38, 1-based): chr2:47,800,021-47,800,025, GCCCT deleted. VCF-style (leftmost placement, unchanged base first): chr2-47800020-GGCCCT-G. GRCh37 (hg19) VCF-style: chr2-48027159-GGCCCT-G.
Other names: c.1648_1652del, p.Ala550fs (NM_001281492.2); c.1132_1136del, p.Ala378fs (NM_001281493.2, NM_001281494.2, NM_001406811.1 and 6 more transcripts); c.2134_2138del, p.Ala712fs (NM_001406795.1, NM_001406802.1); c.2038_2042del, p.Ala680fs (NM_001406796.1, NM_001406798.1, NM_001406800.1 and 3 more transcripts); c.1741_1745del, p.Ala581fs (NM_001406797.1, NM_001406801.1, NM_001406805.1 and 10 more transcripts); c.1513_1517del, p.Ala505fs (NM_001406799.1, NM_001406806.1, NM_001406807.1); c.1960_1964del, p.Ala654fs (NM_001406804.1); c.2044_2048del, p.Ala682fs (NM_001406813.1); and 3 more; short protein forms A550fs, A680fs, A682fs, A712fs, A581fs, A624fs, A378fs, A654fs.
Identifiers: ClinVar variation 4727362 (VCV004727362.1).

ClinVar aggregate classification (germline): Pathogenic (1 of 4 stars; one submission).

Conditions:
Hereditary nonpolyposis colorectal neoplasms. Identifiers: MedGen C0009405, MeSH D003123.

Submission:

Labcorp Genetics (formerly Invitae), Labcorp
Classification: Pathogenic for Hereditary nonpolyposis colorectal neoplasms. Last evaluated: 2025-09-16. Review status: criteria provided, single submitter. Criteria: Invitae Variant Classification Sherloc (09022015). Collection method: clinical testing. Allele origin: germline.
Comment: This sequence change creates a premature translational stop signal (p.Ala680Leufs*16) in the MSH6 gene. It is expected to result in an absent or disrupted protein product. Loss-of-function variants in MSH6 are known to be pathogenic (PMID: 18269114, 24362816). This variant is not present in population databases (gnomAD no frequency). This variant has not been reported in the literature in individuals affected with MSH6-related conditions. For these reasons, this variant has been classified as Pathogenic.

Literature cited by the submitters: PubMed 18269114; PubMed 24362816.